The following is an entry in ClinVar:

NM_033026.6(PCLO):c.8317C>T (p.Pro2773Ser)

Gene: PCLO (piccolo presynaptic cytomatrix protein; minus strand). Cytogenetic location: 7q21.11.
Variant type: single nucleotide variant.
Coding change: c.8317C>T on transcript NM_033026.6 (MANE Select); coding-DNA position 8317, C replaced by T.
Protein change: p.Pro2773Ser; replaces proline 2773 with serine.
Molecular consequence: missense variant.
Genome position (GRCh38, 1-based): chr7:82,952,636, G>A on the plus strand (C>T on the coding strand, the complement: PCLO is on the minus strand). VCF-style: chr7-82952636-G-A. GRCh37 (hg19) VCF-style: chr7-82581952-G-A.
Other names: c.8317C>T, p.Pro2773Ser (NM_014510.3); short protein forms P2773S.
Identifiers: ClinVar variation 2983726 (VCV002983726.1), dbSNP rs1795386293, ClinGen allele CA367911393.
Genomic context (GRCh38, chr7:82,952,636, plus strand): 5'-CAGTGGCCAGAGATACAGGAGTCACTATTGATGATGTCACACTAAGATTTATAATAGAGG[G>A]TTGGACAGCACTAATTTGTTTCCCATAAACTTCATTTGCTGTGATCTGCCTTTTCACATC-3'
Protein context (NP_149015.2, residues 2763-2783): VYGKQISAVQ[Pro2773Ser]SIINLSVTSS

ClinVar aggregate classification (germline): Uncertain significance (1 of 4 stars; one submission).

Allele frequency attached by ClinVar (database versions not stated): TOPMed 0.00001.
gnomAD v4.1: 1 of 1,613,886 alleles (0.000062%); no homozygotes.

Submission:

Labcorp Genetics (formerly Invitae), Labcorp
Classification: Uncertain significance. Last evaluated: 2023-11-18. Review status: criteria provided, single submitter. Criteria: Invitae Variant Classification Sherloc (09022015). Collection method: clinical testing. Allele origin: germline.
Comment: This sequence change replaces proline, which is neutral and non-polar, with serine, which is neutral and polar, at codon 2773 of the PCLO protein (p.Pro2773Ser). This variant is not present in population databases (gnomAD no frequency). This variant has not been reported in the literature in individuals affected with PCLO-related conditions. Experimental studies and prediction algorithms are not available or were not evaluated, and the functional significance of this variant is currently unknown. In summary, the available evidence is currently insufficient to determine the role of this variant in disease. Therefore, it has been classified as a Variant of Uncertain Significance.